The following is an entry in ClinVar:

ClinVar aggregate classification (germline): Pathogenic/Likely pathogenic. Review status: criteria provided, multiple submitters, no conflicts (2 of 4 stars). 4 submissions from 4 submitters: Pathogenic (1); Likely pathogenic (2). 1 of the submissions does not count toward it. Last evaluated 2025-11-18.

Conditions:
TMEM67-related disorder. Also called: TMEM67-related disorders; TMEM67-related condition. Identifiers: MedGen CN239423.
Meckel syndrome, type 3 (MKS3). Also called: MECKEL-GRUBER SYNDROME, TYPE 3. Identifiers: Orphanet 564, MedGen C1846357, MONDO:0011821, OMIM 607361.
Meckel-Gruber syndrome. Also called: Dysencephalia splachnocystica; DYSENCEPHALIA SPLANCHNOCYSTICA; GRUBER SYNDROME. Identifiers: Orphanet 564, MedGen C0265215, MONDO:0018921.
Joubert syndrome. Also called: Familial aplasia of the vermis; JOUBERT-BOLTSHAUSER SYNDROME. Identifiers: Orphanet 475, MedGen C5979921, MONDO:0018772.

Allele frequency attached by ClinVar (database versions not stated): gnomAD exomes below 0.00001; gnomAD 0.00001; TOPMed 0.00001.

Submissions (4):

Labcorp Genetics (formerly Invitae), Labcorp
Classification: Pathogenic for Joubert syndrome; Meckel-Gruber syndrome. Last evaluated: 2025-11-18. Review status: criteria provided, single submitter. Criteria: Invitae Variant Classification Sherloc (09022015). Collection method: clinical testing. Allele origin: germline.
Comment: This sequence change replaces tyrosine, which is neutral and polar, with cysteine, which is neutral and slightly polar, at codon 843 of the TMEM67 protein (p.Tyr843Cys). This variant is not present in population databases (gnomAD no frequency). This missense change has been observed in individual(s) with TMEM67-related conditions (PMID: 20232449). In at least one individual the data is consistent with being in trans (on the opposite chromosome) from a pathogenic variant. It has also been observed to segregate with disease in related individuals. ClinVar contains an entry for this variant (Variation ID: 56775). Invitae Evidence Modeling of protein sequence and biophysical properties (such as structural, functional, and spatial information, amino acid conservation, physicochemical variation, residue mobility, and thermodynamic stability) indicates that this missense variant is expected to disrupt TMEM67 protein function with a positive predictive value of 95%. For these reasons, this variant has been classified as Pathogenic.

PreventionGenetics, part of Exact Sciences
Classification: Likely pathogenic for TMEM67-related condition. Last evaluated: 2025-09-30. Review status: criteria provided, single submitter. Criteria: ACMG Guidelines, 2015. Collection method: clinical testing. Allele origin: germline.
Comment: The TMEM67 c.2528A>G variant is predicted to result in the amino acid substitution p.Tyr843Cys. This variant has been reported in the compound heterozygous state with a pathogenic TMEM67 variant in individuals with Meckel syndrome (Iannicelli et al 2010. PubMed ID: 20232449; PreventionGenetics Internal Data). This variant has not been reported in a large population database (gnomAD), indicating this variant is rare. This variant is interpreted as likely pathogenic.

Dasa
Classification: Likely pathogenic. Last evaluated: 2025-07-31. Review status: criteria provided, single submitter. Criteria: DASA Assertion Criteria. Collection method: clinical testing. Allele origin: germline.
Comment: NM_153704.6(TMEM67):c.2528A>G (p.Tyr843Cys) is a missense variant that results in the substitution of tyrosine with cysteine. Segregation data support an association with disease in the reported family/families (PMID: 20232449). This variant has been reported in individuals with TMEM67-related disorders (PMID: 20232449). Also, this variant is rare in population databases. Computational evidence supports a deleterious effect. Based on the currently available evidence, this variant is classified as likely pathogenic.

Juha Muilu Group; Institute for Molecular Medicine Finland (FIMM)
Classification: Likely pathogenic for Meckel syndrome type 3. Review status: no assertion criteria provided. Collection method: not provided. Allele origin: unknown. Not counted in ClinVar's aggregate classification.
Comment: FinDis database variant: This variant was not found or characterized by our laboratory, data were collected from public sources: see reference
ClinVar note: Converted during submission from probable-pathogenic to Likely pathogenic.

Literature cited by the submitters: PubMed 20232449 (cited by Labcorp Genetics (formerly Invitae), Labcorp and Dasa).

NM_153704.6(TMEM67):c.2528A>G (p.Tyr843Cys)

Gene: TMEM67 (transmembrane protein 67; plus strand). Cytogenetic location: 8q22.1.
Variant type: single nucleotide variant.
Coding change: c.2528A>G on transcript NM_153704.6 (MANE Select); coding-DNA position 2528, A replaced by G.
Protein change: p.Tyr843Cys; replaces tyrosine 843 with cysteine.
Molecular consequence: missense variant. On other transcripts: non-coding transcript variant (1).
Genome position (GRCh38, 1-based): chr8:93,808,928, A>G. VCF-style: chr8-93808928-A-G. GRCh37 (hg19) VCF-style: chr8-94821156-A-G.
Other names: c.2285A>G, p.Tyr762Cys (NM_001142301.1); short protein forms Y762C, Y843C.
Identifiers: ClinVar variation 56775 (VCV000056775.10), dbSNP rs386834194, ClinGen allele CA144466.